The following is an entry in ClinVar:

ClinVar aggregate classification (germline): Uncertain significance. Review status: criteria provided, multiple submitters, no conflicts (2 of 4 stars). 2 submissions from 2 submitters: Uncertain significance (2). Last evaluated 2025-03-22.

Conditions:
Inborn genetic diseases. Identifiers: MedGen C0950123, MeSH D030342.

Allele frequency attached by ClinVar (database versions not stated): gnomAD 0.00011; 1000 Genomes Project 30x 0.00016; 1000 Genomes Project 0.00020; ExAC 0.00005; TOPMed 0.00011.

Submissions (2):

Ambry Genetics
Classification: Uncertain significance for Inborn genetic diseases. Last evaluated: 2025-03-22. Review status: criteria provided, single submitter. Criteria: Ambry Variant Classification Scheme 2023. Collection method: clinical testing. Allele origin: germline.

Labcorp Genetics (formerly Invitae), Labcorp
Classification: Uncertain significance. Last evaluated: 2022-02-24. Review status: criteria provided, single submitter. Criteria: Invitae Variant Classification Sherloc (09022015). Collection method: clinical testing. Allele origin: germline.
Comment: This sequence change replaces valine, which is neutral and non-polar, with methionine, which is neutral and non-polar, at codon 129 of the GHRHR protein (p.Val129Met). The frequency data for this variant in the population databases is considered unreliable, as metrics indicate poor data quality at this position in the gnomAD database. This variant has not been reported in the literature in individuals affected with GHRHR-related conditions. Algorithms developed to predict the effect of missense changes on protein structure and function output the following: SIFT: "Deleterious"; PolyPhen-2: "Benign"; Align-GVGD: "Class C15". The methionine amino acid residue is found in multiple mammalian species, which suggests that this missense change does not adversely affect protein function. In summary, the available evidence is currently insufficient to determine the role of this variant in disease. Therefore, it has been classified as a Variant of Uncertain Significance.

NM_000823.4(GHRHR):c.385G>A (p.Val129Met)

Gene: GHRHR (growth hormone releasing hormone receptor; plus strand). Cytogenetic location: 7p14.3.
Variant type: single nucleotide variant.
Coding change: c.385G>A on transcript NM_000823.4 (MANE Select); coding-DNA position 385, G replaced by A.
Protein change: p.Val129Met; replaces valine 129 with methionine.
Molecular consequence: missense variant.
Genome position (GRCh38, 1-based): chr7:30,971,137, G>A. VCF-style: chr7-30971137-G-A. GRCh37 (hg19) VCF-style: chr7-31010752-G-A.
Other names: c.385G>A (NM_000823.3); short protein forms V129M.
Identifiers: ClinVar variation 2175036 (VCV002175036.2), dbSNP rs568588560, ClinGen allele CA4208519.
Genomic context (GRCh38, chr7:30,971,137, plus strand): 5'-GGCCCAGAAGCTGAGACTTTCTTCTGTCTCTGCCCTTCCCAGGAATCTTACTTCTCCACA[G>A]TGAAGATTATCTACACCGTGGGCCATAGCATCTCTATTGTAGCCCTCTTCGTGGCCATCA-3'
Protein context (NP_000814.2, residues 119-139): LAEEESYFST[Val129Met]KIIYTVGHSI